The following is an entry in ClinVar:

ClinVar aggregate classification (germline): Uncertain significance. Review status: criteria provided, multiple submitters, no conflicts (2 of 4 stars). 3 submissions from 3 submitters: Uncertain significance (3). Last evaluated 2025-03-25.

Conditions:
Inborn genetic diseases. Identifiers: MedGen C0950123, MeSH D030342.

Allele frequency attached by ClinVar (database versions not stated): gnomAD 0.00018 and 0.00016; TOPMed 0.00006; gnomAD exomes 0.00010 and 0.00017; ExAC 0.00021; ESP Exome Variant Server 0.00031.
gnomAD v4.1: 173 of 1,613,800 alleles (0.011%); highest among the groups gnomAD compares: Non-Finnish European, 0.012%; no homozygotes.

Submissions (3):

Ambry Genetics
Classification: Uncertain significance for Inborn genetic diseases. Last evaluated: 2025-03-25. Review status: criteria provided, single submitter. Criteria: Ambry Variant Classification Scheme 2023. Collection method: clinical testing. Allele origin: germline.

Labcorp Genetics (formerly Invitae), Labcorp
Classification: Uncertain significance. Last evaluated: 2023-08-17. Review status: criteria provided, single submitter. Criteria: Invitae Variant Classification Sherloc (09022015). Collection method: clinical testing. Allele origin: germline.
Comment: This sequence change replaces lysine, which is basic and polar, with glutamine, which is neutral and polar, at codon 204 of the SLC25A19 protein (p.Lys204Gln). This variant is present in population databases (rs145088715, gnomAD 0.04%). This variant has not been reported in the literature in individuals affected with SLC25A19-related conditions. ClinVar contains an entry for this variant (Variation ID: 618364). Advanced modeling of protein sequence and biophysical properties (such as structural, functional, and spatial information, amino acid conservation, physicochemical variation, residue mobility, and thermodynamic stability) performed at Invitae indicates that this missense variant is not expected to disrupt SLC25A19 protein function. In summary, the available evidence is currently insufficient to determine the role of this variant in disease. Therefore, it has been classified as a Variant of Uncertain Significance.

ARUP Laboratories, Molecular Genetics and Genomics, ARUP Laboratories
Classification: Uncertain significance. Last evaluated: 2017-12-12. Review status: criteria provided, single submitter. Criteria: ARUP Molecular Germline Variant Investigation Process. Collection method: clinical testing. Allele origin: germline.
Comment: The SLC25A19 p.Lys204Gln variant (rs145088715) has not been reported in the medical literature or gene specific variant databases. The p.Lys204Gln variant is listed in the Genome Aggregation Database (gnomAD) browser with an allele frequency of 0.039% in the non-Finnish European population (identified in 50 out of 126,616 chromosomes). The lysine at codon 204 is weakly conserved considering 15 species (Alamut software v2.10.0), and computational analyses predict that this variant does not affect the structure/function of the SLC25A19 protein (SIFT: tolerated, PolyPhen2: benign, MutationTaster: polymorphism). However, based on the available information, the clinical significance of the p.Lys204Gln variant cannot be determined with certainty.

NM_001126121.2(SLC25A19):c.610A>C (p.Lys204Gln)

Gene: SLC25A19 (solute carrier family 25 member 19; minus strand). Cytogenetic location: 17q25.1.
Variant type: single nucleotide variant.
Coding change: c.610A>C on transcript NM_001126121.2 (MANE Select); coding-DNA position 610, A replaced by C.
Protein change: p.Lys204Gln; replaces lysine 204 with glutamine.
Molecular consequence: missense variant.
Genome position (GRCh38, 1-based): chr17:75,278,185, T>G on the plus strand (A>C on the coding strand, the complement: SLC25A19 is on the minus strand). VCF-style: chr17-75278185-T-G. GRCh37 (hg19) VCF-style: chr17-73274266-T-G.
Other names: c.610A>C, p.Lys204Gln (NM_001126122.2, NM_021734.5); c.610A>C (NM_021734.4); short protein forms K204Q.
Identifiers: ClinVar variation 618364 (VCV000618364.14), dbSNP rs145088715, ClinGen allele CA8760944.
Genomic context (GRCh38, chr17:75,278,185, plus strand): 5'-CTCCCTCTCGTGTGAGGGCTGCCTCACCATTTTTCTTTCCTTCGGCTGGTATGGCCCACT[T>G]GTACAGGTGCTTCAAGGAGCTGTAGCAAGAGAACTGCAGCCCGGCGTAGGGGAAGATGGC-3'
Protein context (NP_001119593.1, residues 194-214): SCYSSLKHLY[Lys204Gln]WAIPAEGKKN